The following is an entry in ClinVar:

ClinVar aggregate classification (germline): Likely pathogenic (1 of 4 stars; one submission).

Conditions:
Bethlem myopathy 1A. Also called: Bethlem Muscular Dystrophy; MYOPATHY, BENIGN CONGENITAL, WITH CONTRACTURES; Bethlem myopathy 1. Identifiers: Orphanet 610, MedGen CN029274, MONDO:0024530, OMIM 158810.

Submission:

Labcorp Genetics (formerly Invitae), Labcorp
Classification: Likely pathogenic for Bethlem myopathy 1A. Last evaluated: 2020-09-14. Review status: criteria provided, single submitter. Criteria: Invitae Variant Classification Sherloc (09022015). Collection method: clinical testing. Allele origin: germline.
Comment: This variant has not been reported in the literature in individuals with COL6A2-related conditions. In summary, the currently available evidence indicates that the variant is pathogenic, but additional data are needed to prove that conclusively. Therefore, this variant has been classified as Likely Pathogenic. This variant disrupts the p.Asp621 amino acid residue in COL6A2. Other variant(s) that disrupt this residue have been determined to be pathogenic (PMID: 11865138, 20576434). This suggests that this residue is clinically significant, and that variants that disrupt this residue are likely to be disease-causing. Advanced modeling of protein sequence and biophysical properties (such as structural, functional, and spatial information, amino acid conservation, physicochemical variation, residue mobility, and thermodynamic stability) performed at Invitae indicates that this missense variant is expected to disrupt COL6A2 protein function. This variant is not present in population databases (ExAC no frequency). This sequence change replaces aspartic acid with histidine at codon 621 of the COL6A2 protein (p.Asp621His). The aspartic acid residue is highly conserved and there is a moderate physicochemical difference between aspartic acid and histidine.

Literature cited by the submitters: PubMed 11865138; PubMed 20576434.

NM_001849.4(COL6A2):c.1861G>C (p.Asp621His)

Gene: COL6A2 (collagen type VI alpha 2 chain; plus strand). Cytogenetic location: 21q22.3.
Variant type: single nucleotide variant.
Coding change: c.1861G>C on transcript NM_001849.4 (MANE Select); coding-DNA position 1861, G replaced by C.
Protein change: p.Asp621His; replaces aspartic acid 621 with histidine.
Molecular consequence: missense variant.
Genome position (GRCh38, 1-based): chr21:46,125,509, G>C. VCF-style: chr21-46125509-G-C. GRCh37 (hg19) VCF-style: chr21-47545423-G-C.
Other names: c.1861G>C, p.Asp621His (NM_058174.3, NM_058175.3); short protein forms D621H.
Identifiers: ClinVar variation 1067448 (VCV001067448.9), dbSNP rs267606750, ClinGen allele CA410538510.